The following is an entry in ClinVar:

ClinVar aggregate classification (germline): Uncertain significance (1 of 4 stars; one submission).

Conditions:
Inborn genetic diseases. Identifiers: MedGen C0950123, MeSH D030342.

Submission:

Ambry Genetics
Classification: Uncertain significance for Inborn genetic diseases. Last evaluated: 2023-12-23. Review status: criteria provided, single submitter. Criteria: Ambry Variant Classification Scheme 2023. Collection method: clinical testing. Allele origin: germline.
Comment: The p.K101N variant (also known as c.303G>T), located in coding exon 5 of the ERCC2 gene, results from a G to T substitution at nucleotide position 303. The lysine at codon 101 is replaced by asparagine, an amino acid with similar properties. This amino acid position is conserved. In addition, this alteration is predicted to be tolerated by in silico analysis. Since supporting evidence is limited at this time, the clinical significance of this alteration remains unclear.

NM_000400.4(ERCC2):c.303G>T (p.Lys101Asn)

Gene: ERCC2 (ERCC excision repair 2, TFIIH core complex helicase subunit; minus strand). Cytogenetic location: 19q13.32.
Variant type: single nucleotide variant.
Coding change: c.303G>T on transcript NM_000400.4 (MANE Select); coding-DNA position 303, G replaced by T.
Protein change: p.Lys101Asn; replaces lysine 101 with asparagine.
Molecular consequence: missense variant.
Genome position (GRCh38, 1-based): chr19:45,368,687, C>A on the plus strand (G>T on the coding strand, the complement: ERCC2 is on the minus strand). VCF-style: chr19-45368687-C-A. GRCh37 (hg19) VCF-style: chr19-45871945-C-A.
Other names: c.231G>T, p.Lys77Asn (NM_001130867.2); short protein forms K77N, K101N.
Identifiers: ClinVar variation 1799150 (VCV001799150.2), dbSNP rs1182986304, ClinGen allele CA406378452.
Genomic context (GRCh38, chr19:45,368,687, plus strand): 5'-CACCTCAGGGTGAATACACAAGTTTTTGCGGGAGCTCAGAGCCAGTCCCAGAAACGGCAG[C>A]TTCTCGCCCTCCTGCTTCTCATAGAAGTTGAGCAACTTTCGAAGCTCTTCAATCACCTAC-3'
Protein context (NP_000391.1, residues 91-111): LNFYEKQEGE[Lys101Asn]LPFLGLALSS